The following is an entry in ClinVar:

NM_005689.4(ABCB6):c.490G>A (p.Ala164Thr)

Gene: ABCB6 (ATP binding cassette subfamily B member 6 (LAN blood group); minus strand). Cytogenetic location: 2q35.
Variant type: single nucleotide variant.
Coding change: c.490G>A on transcript NM_005689.4 (MANE Select); coding-DNA position 490, G replaced by A.
Protein change: p.Ala164Thr; replaces alanine 164 with threonine.
Molecular consequence: missense variant.
Genome position (GRCh38, 1-based): chr2:219,218,184, C>T on the plus strand (G>A on the coding strand, the complement: ABCB6 is on the minus strand). VCF-style: chr2-219218184-C-T. GRCh37 (hg19) VCF-style: chr2-220082906-C-T.
Other names: p.Ala164Thr; c.490G>A (NM_005689.2); c.490G>A, p.Ala164Thr (NM_001349828.2); short protein forms A164T.
Identifiers: ClinVar variation 4540807 (VCV004540807.3).

ClinVar aggregate classification (germline): Uncertain significance. Review status: criteria provided, multiple submitters, no conflicts (2 of 4 stars). 3 submissions from 3 submitters: Uncertain significance (3). Last evaluated 2026-03-07.

gnomAD v4.1: 246 of 1,613,818 alleles (0.015%); highest among the groups gnomAD compares: Middle Eastern, 0.099%; no homozygotes.

Submissions (3):

GeneDx
Classification: Uncertain significance. Last evaluated: 2026-03-07. Review status: criteria provided, single submitter. Criteria: GeneDx Variant Classification Process June 2021. Collection method: clinical testing. Allele origin: germline.
Comment: In silico analysis suggests that this missense variant does not alter protein structure/function; Has not been previously published as pathogenic or benign to our knowledge

Labcorp Genetics (formerly Invitae), Labcorp
Classification: Uncertain significance. Last evaluated: 2026-02-01. Review status: criteria provided, single submitter. Criteria: Invitae Variant Classification Sherloc (09022015). Collection method: clinical testing. Allele origin: germline.
Comment: This sequence change replaces alanine, which is neutral and non-polar, with threonine, which is neutral and polar, at codon 164 of the ABCB6 protein (p.Ala164Thr). This variant is present in population databases (rs143052685, gnomAD 0.1%), and has an allele count higher than expected for a pathogenic variant. This variant has not been reported in the literature in individuals affected with ABCB6-related conditions. An algorithm developed to predict the effect of missense changes on protein structure and function (PolyPhen-2) suggests that this variant is likely to be tolerated. In summary, the available evidence is currently insufficient to determine the role of this variant in disease. Therefore, it has been classified as a Variant of Uncertain Significance.

Mayo Clinic Laboratories, Mayo Clinic
Classification: Uncertain significance. Last evaluated: 2025-03-07. Review status: criteria provided, single submitter. Criteria: ACMG Guidelines, 2015. Collection method: clinical testing. Allele origin: germline. Observed: 1 variant allele.
Comment: BP4, PM2_supporting